The following is an entry in ClinVar:

NM_006393.3(NEBL):c.175A>G (p.Lys59Glu)

Gene: NEBL (nebulette; minus strand). Cytogenetic location: 10p12.31.
Variant type: single nucleotide variant.
Coding change: c.175A>G on transcript NM_006393.3 (MANE Select); coding-DNA position 175, A replaced by G.
Protein change: p.Lys59Glu; replaces lysine 59 with glutamic acid.
Molecular consequence: missense variant. On other transcripts: intron variant (9).
Genome position (GRCh38, 1-based): chr10:20,889,928, T>C on the plus strand (A>G on the coding strand, the complement: NEBL is on the minus strand). VCF-style: chr10-20889928-T-C. GRCh37 (hg19) VCF-style: chr10-21178857-T-C.
Other names: c.249+71744A>G (NM_001377326.1, NM_001377327.1, NM_001377328.1); c.357+71744A>G (NM_213569.2, NM_001173484.2, NM_001377322.1); c.300+71744A>G (NM_001377324.1); c.291+71744A>G (NM_001377325.1); c.309+71744A>G (NM_001377323.1); short protein forms K59E.
Identifiers: ClinVar variation 4556736 (VCV004556736.1).

ClinVar aggregate classification (germline): Uncertain significance (1 of 4 stars; one submission).

Submission:

Ambry Genetics
Classification: Uncertain significance. Last evaluated: 2025-11-04. Review status: criteria provided, single submitter. Criteria: Ambry Variant Classification Scheme 2023. Collection method: clinical testing. Allele origin: germline.
Comment: The p.K59E variant (also known as c.175A>G), located in coding exon 3 of the NEBL gene, results from an A to G substitution at nucleotide position 175. The lysine at codon 59 is replaced by glutamic acid, an amino acid with similar properties. This amino acid position is conserved. In addition, this alteration is predicted to be tolerated by in silico analysis. Based on the available evidence, the clinical significance of this variant remains unclear.